The following is an entry in ClinVar:

NM_138694.4(PKHD1):c.3373A>G (p.Thr1125Ala)

Gene: PKHD1 (PKHD1 ciliary IPT domain containing fibrocystin/polyductin; minus strand). Cytogenetic location: 6p12.2.
Variant type: single nucleotide variant.
Coding change: c.3373A>G on transcript NM_138694.4 (MANE Select); coding-DNA position 3373, A replaced by G.
Protein change: p.Thr1125Ala; replaces threonine 1125 with alanine.
Molecular consequence: missense variant.
Genome position (GRCh38, 1-based): chr6:52,028,343, T>C on the plus strand (A>G on the coding strand, the complement: PKHD1 is on the minus strand). VCF-style: chr6-52028343-T-C. GRCh37 (hg19) VCF-style: chr6-51893141-T-C.
Other names: c.3373A>G, p.Thr1125Ala (NM_170724.3); short protein forms T1125A.
Identifiers: ClinVar variation 911293 (VCV000911293.33), dbSNP rs144365187, ClinGen allele CA3852959.

ClinVar aggregate classification (germline): Uncertain significance. Review status: criteria provided, multiple submitters, no conflicts (2 of 4 stars). 4 submissions from 4 submitters: Uncertain significance (4). Last evaluated 2024-07-31.

Conditions:
Inborn genetic diseases. Identifiers: MedGen C0950123, MeSH D030342.
Autosomal recessive polycystic kidney disease (ARPKD). Also called: AR polycystic kidney disease. Identifiers: Orphanet 731, Orphanet 8378, MedGen C0085548, MeSH D017044, MONDO:0009889.
Polycystic kidney disease 4 (PKD4). Also called: POLYCYSTIC KIDNEY AND HEPATIC DISEASE 1; POLYCYSTIC KIDNEY DISEASE, INFANTILE, TYPE I; POLYCYSTIC KIDNEY DISEASE 4 WITH OR WITHOUT POLYCYSTIC LIVER DISEASE; PKD3; Autosomal Recessive Polycystic Kidney Disease – PKHD1. Identifiers: MedGen C4540575, MONDO:0033004, OMIM 263200.

gnomAD v4.1: 4 of 1,613,474 alleles (0.00025%); highest among the groups gnomAD compares: Admixed American, 0.0017%; no homozygotes.

Submissions (4):

Ambry Genetics
Classification: Uncertain significance for Inborn genetic diseases. Last evaluated: 2024-07-31. Review status: criteria provided, single submitter. Criteria: Ambry Variant Classification Scheme 2023. Collection method: clinical testing. Allele origin: germline.

CeGaT Center for Human Genetics Tuebingen
Classification: Uncertain significance. Last evaluated: 2023-08-01. Review status: criteria provided, single submitter. Criteria: CeGaT Center For Human Genetics Tuebingen Variant Classification Criteria Version 2. Collection method: clinical testing. Allele origin: germline. Affected: yes. Observed: 1 variant allele.
Comment: PKHD1: PM2, BP4

Victorian Clinical Genetics Services, Murdoch Childrens Research Institute
Classification: Uncertain significance for Polycystic kidney disease 4. Last evaluated: 2022-02-02. Review status: criteria provided, single submitter. Criteria: ACMG Guidelines, 2015. Collection method: clinical testing. Allele origin: germline. Inheritance: Autosomal recessive inheritance. Affected: yes.
Comment: Based on the classification scheme VCGS_Germline_v1.3.4, this variant is classified as VUS-3C. Following criteria are met: 0102 - Loss of function is a known mechanism of disease in this gene and is associated with polycystic kidney disease 4, with or without hepatic disease (MIM#263200). (I) 0106 - This gene is associated with autosomal recessive disease. (I) 0200 - Variant is predicted to result in a missense amino acid change from threonine to alanine. (I) 0251 - This variant is heterozygous. (I) 0304 - Variant is present in gnomAD <0.01 for a recessive condition (v2: 1 heterozygote, 0 homozygotes). (SP) 0309 - Multiple alternative amino acid changes at the same position has been observed in gnomAD (v3) (highest allele count: 45 heterozygotes, 0 homozygotes). (I) 0504 - Same amino acid change has been observed in placental mammals. (SB) 0600 - Variant is located in the annotated IPT/TIG 6 domain (UniProt). (I) 0710 - Another missense variant comparable to the one identified in this case has inconclusive previous evidence for pathogenicity. The p.(Thr1125Pro) variant has been classified as a VUS by a clinical diagnostic laboratory (ClinVar). (I) 0807 - This variant has no previous evidence of pathogenicity. (I) 0905 - No published segregation evidence has been identified for this variant. (I) 1007 - No published functional evidence has been identified for this variant. (I) 1208 - Inheritance information for this variant is not currently available in this individual. (I) Legend: (SP) - Supporting pathogenic, (I) - Information, (SB) - Supporting benign

Illumina Laboratory Services, Illumina
Classification: Uncertain significance for Polycystic kidney disease 4. Last evaluated: 2018-01-13. Review status: criteria provided, single submitter. Criteria: ICSL Variant Classification Criteria 13 December 2019. Collection method: clinical testing. Allele origin: germline.